The following is an entry in ClinVar:

NM_001844.5(COL2A1):c.1678C>T (p.Arg560Trp)

Gene: COL2A1 (collagen type II alpha 1 chain; minus strand). Cytogenetic location: 12q13.11.
Variant type: single nucleotide variant.
Coding change: c.1678C>T on transcript NM_001844.5 (MANE Select); coding-DNA position 1678, C replaced by T.
Protein change: p.Arg560Trp; replaces arginine 560 with tryptophan.
Molecular consequence: missense variant.
Genome position (GRCh38, 1-based): chr12:47,985,730, G>A on the plus strand (C>T on the coding strand, the complement: COL2A1 is on the minus strand). VCF-style: chr12-47985730-G-A. GRCh37 (hg19) VCF-style: chr12-48379513-G-A.
Other names: c.1678C>T (NM_001844.4); c.1471C>T, p.Arg491Trp (NM_033150.3); short protein forms R560W, R491W.
Identifiers: ClinVar variation 1047324 (VCV001047324.9), dbSNP rs757693116, ClinGen allele CA6535428.

ClinVar aggregate classification (germline): Uncertain significance. Review status: criteria provided, multiple submitters, no conflicts (2 of 4 stars). 2 submissions from 2 submitters: Uncertain significance (2). Last evaluated 2024-09-28.

Allele frequency attached by ClinVar (database versions not stated): gnomAD exomes below 0.00001; TOPMed below 0.00001; ExAC 0.00001; gnomAD 0.00001.
gnomAD v4.1: 5 of 1,613,752 alleles (0.00031%); highest among the groups gnomAD compares: South Asian, 0.0011%; no homozygotes.

Submissions (2):

Labcorp Genetics (formerly Invitae), Labcorp
Classification: Uncertain significance. Last evaluated: 2024-09-28. Review status: criteria provided, single submitter. Criteria: Invitae Variant Classification Sherloc (09022015). Collection method: clinical testing. Allele origin: germline.
Comment: This sequence change replaces arginine, which is basic and polar, with tryptophan, which is neutral and slightly polar, at codon 560 of the COL2A1 protein (p.Arg560Trp). This variant is present in population databases (rs757693116, gnomAD 0.003%). This variant has not been reported in the literature in individuals affected with COL2A1-related conditions. ClinVar contains an entry for this variant (Variation ID: 1047324). An algorithm developed to predict the effect of missense changes on protein structure and function (PolyPhen-2) suggests that this variant is likely to be disruptive. In summary, the available evidence is currently insufficient to determine the role of this variant in disease. Therefore, it has been classified as a Variant of Uncertain Significance.

GeneDx
Classification: Uncertain significance. Last evaluated: 2024-02-21. Review status: criteria provided, single submitter. Criteria: GeneDx Variant Classification Process June 2021. Collection method: clinical testing. Allele origin: germline. Affected: yes.
Comment: Has not been previously published as pathogenic or benign to our knowledge; Not observed at significant frequency in large population cohorts (gnomAD); In silico analysis supports that this missense variant has a deleterious effect on protein structure/function